The following is an entry in ClinVar:

NM_020843.4(SCAPER):c.2165+10T>G

Gene: SCAPER (S-phase cyclin A associated protein in the ER; minus strand). Cytogenetic location: 15q24.3.
Variant type: single nucleotide variant.
Coding change: c.2165+10T>G on transcript NM_020843.4 (MANE Select); 10 bases into the intron after coding-DNA position 2165, T replaced by G.
Molecular consequence: intron variant.
Genome position (GRCh38, 1-based): chr15:76,728,585, A>C on the plus strand (T>G on the coding strand, the complement: SCAPER is on the minus strand). VCF-style: chr15-76728585-A-C. GRCh37 (hg19) VCF-style: chr15-77020926-A-C.
Other names: c.1781+10T>G (NM_001353011.2); c.1763+10T>G (NM_001353012.2, NM_001353010.2); c.2183+10T>G (NM_001353009.2); c.1427+10T>G (NM_001145923.2).
Identifiers: ClinVar variation 4985850 (VCV004985850.1).

ClinVar aggregate classification (germline): Likely benign (1 of 4 stars; one submission).

Conditions:
SCAPER-related disorder. Also called: SCAPER-related condition.

gnomAD v4.1: 5 of 1,613,062 alleles (0.00031%); highest among the groups gnomAD compares: Admixed American, 0.0033%; no homozygotes.

Submission:

PreventionGenetics, part of Exact Sciences
Classification: Likely benign for SCAPER-related condition. Last evaluated: 2026-06-30. Review status: criteria provided, single submitter. Criteria: ACMG Guidelines, 2015. Collection method: clinical testing. Allele origin: germline.
Comment: This variant is classified as likely benign based on ACMG/AMP sequence variant interpretation guidelines (Richards et al. 2015 PMID: 25741868, with internal and published modifications).